The following is an entry in ClinVar:

NM_001364905.1(LRBA):c.5612G>T (p.Gly1871Val)

Gene: LRBA (LPS responsive beige-like anchor protein; minus strand). Cytogenetic location: 4q31.3.
Variant type: single nucleotide variant.
Coding change: c.5612G>T on transcript NM_001364905.1 (MANE Select); coding-DNA position 5612, G replaced by T.
Protein change: p.Gly1871Val; replaces glycine 1871 with valine.
Molecular consequence: missense variant.
Genome position (GRCh38, 1-based): chr4:150,761,816, C>A on the plus strand (G>T on the coding strand, the complement: LRBA is on the minus strand). VCF-style: chr4-150761816-C-A. GRCh37 (hg19) VCF-style: chr4-151682968-C-A.
Other names: c.5612G>T, p.Gly1871Val (NM_001199282.3, NM_001367550.1, NM_006726.5); short protein forms G1871V.
Identifiers: ClinVar variation 2116933 (VCV002116933.4), dbSNP rs2547368715, ClinGen allele CA358607929.

ClinVar aggregate classification (germline): Uncertain significance (1 of 4 stars; one submission).

Conditions:
Combined immunodeficiency due to LRBA deficiency. Also called: Common variable immunodeficiency 8, with autoimmunity. Identifiers: Orphanet 445018, MedGen C3553512, MONDO:0013863, OMIM 614700.

Allele frequency attached by ClinVar (database versions not stated): gnomAD exomes below 0.00001.
gnomAD v4.1: 1 of 1,542,504 alleles (0.000065%); highest among the groups gnomAD compares: Non-Finnish European, 0.000087%; no homozygotes.

Submission:

Labcorp Genetics (formerly Invitae), Labcorp
Classification: Uncertain significance for Combined immunodeficiency due to LRBA deficiency. Last evaluated: 2022-03-26. Review status: criteria provided, single submitter. Criteria: Invitae Variant Classification Sherloc (09022015). Collection method: clinical testing. Allele origin: germline.
Comment: This variant is not present in population databases (gnomAD no frequency). This sequence change replaces glycine, which is neutral and non-polar, with valine, which is neutral and non-polar, at codon 1871 of the LRBA protein (p.Gly1871Val). This variant has not been reported in the literature in individuals affected with LRBA-related conditions. In summary, the available evidence is currently insufficient to determine the role of this variant in disease. Therefore, it has been classified as a Variant of Uncertain Significance. Algorithms developed to predict the effect of missense changes on protein structure and function are either unavailable or do not agree on the potential impact of this missense change (SIFT: "Deleterious"; PolyPhen-2: "Probably Damaging"; Align-GVGD: "Class C0").